The following is an entry in ClinVar:

NM_020975.6(RET):c.963G>A (p.Gly321=)

Gene: RET (ret proto-oncogene; plus strand). Cytogenetic location: 10q11.21.
Variant type: single nucleotide variant.
Coding change: c.963G>A on transcript NM_020975.6 (MANE Select); coding-DNA position 963, G replaced by A.
Protein change: p.Gly321=; no amino-acid change (glycine 321 retained).
Molecular consequence: synonymous variant. On other transcripts: intron variant (25).
Genome position (GRCh38, 1-based): chr10:43,106,471, G>A. VCF-style: chr10-43106471-G-A. GRCh37 (hg19) VCF-style: chr10-43601919-G-A.
Other names: c.963G>A, p.Gly321= (NM_000323.2, NM_001406743.1, NM_001406744.1 and 6 more transcripts); c.201G>A, p.Gly67= (NM_001355216.2); c.834G>A, p.Gly278= (NM_001406761.1, NM_001406762.1, NM_001406764.1 and 1 more transcripts); c.675G>A, p.Gly225= (NM_001406766.1, NM_001406767.1, NM_001406770.1); c.867+1278G>A (NM_001406772.1, NM_001406769.1); c.626-2560G>A (NM_001406773.1, NM_001406771.1); c.625+3842G>A (NM_001406782.1, NM_001406780.1, NM_001406779.1 and 3 more transcripts); c.738+1278G>A (NM_001406774.1); and 5 more.
Identifiers: ClinVar variation 1114858 (VCV001114858.12), dbSNP rs1837780326, ClinGen allele CA469023790.

ClinVar aggregate classification (germline): Benign/Likely benign. Review status: criteria provided, multiple submitters, no conflicts (2 of 4 stars). 4 submissions from 4 submitters: Benign (1); Likely benign (3). Last evaluated 2025-07-17.

Conditions:
Hereditary cancer-predisposing syndrome. Also called: Hereditary neoplastic syndrome; Hereditary Cancer Syndrome; Neoplastic Syndromes, Hereditary; Tumor predisposition. Identifiers: Orphanet 140162, MedGen C0027672, MeSH D009386, MONDO:0015356.
Multiple endocrine neoplasia type 2A. Also called: Multiple Endocrine Neoplasia Type 2A (MEN2A); MULTIPLE ENDOCRINE NEOPLASIA, TYPE IIA; PTC SYNDROME; SIPPLE SYNDROME; MEN 2A; MEN-2A syndrome. Identifiers: Orphanet 247698, Orphanet 653, MedGen C0025268, MeSH D018813, MONDO:0008234, OMIM 171400.
Multiple endocrine neoplasia, type 2 (MEN2). Identifiers: Orphanet 653, MedGen C4048306, MONDO:0019003. Disease mechanism: gain of function.

Allele frequency attached by ClinVar (database versions not stated): TOPMed below 0.00001.

Submissions (4):

Color Diagnostics, LLC DBA Color Health
Classification: Likely benign for Multiple endocrine neoplasia, type 2. Last evaluated: 2025-07-17. Review status: criteria provided, single submitter. Criteria: ACMG Guidelines, 2015. Collection method: clinical testing. Allele origin: germline.

Ambry Genetics
Classification: Likely benign for Hereditary cancer-predisposing syndrome. Last evaluated: 2025-06-19. Review status: criteria provided, single submitter. Criteria: Ambry Variant Classification Scheme 2023. Collection method: clinical testing. Allele origin: germline.

Myriad Genetics, Inc.
Classification: Benign for Multiple endocrine neoplasia type 2A. Last evaluated: 2025-02-25. Review status: criteria provided, single submitter. Criteria: Myriad Autosomal Dominant, Autosomal Recessive and X-Linked Classification Criteria (2023). Collection method: clinical testing. Allele origin: unknown.
Comment: This variant is considered benign. This variant is a silent/synonymous amino acid change and it is not expected to impact splicing.

Labcorp Genetics (formerly Invitae), Labcorp
Classification: Likely benign for Multiple endocrine neoplasia, type 2. Last evaluated: 2022-10-13. Review status: criteria provided, single submitter. Criteria: Invitae Variant Classification Sherloc (09022015). Collection method: clinical testing. Allele origin: germline.